The following is an entry in ClinVar:

ClinVar aggregate classification (germline): Uncertain significance (1 of 4 stars; one submission).

Conditions:
Fanconi anemia (FA). Also called: Fanconi's anemia. Identifiers: Orphanet 84, MedGen C0015625, MeSH D005199, MONDO:0019391.

Submission:

Labcorp Genetics (formerly Invitae), Labcorp
Classification: Uncertain significance for Fanconi anemia. Last evaluated: 2022-04-23. Review status: criteria provided, single submitter. Criteria: Invitae Variant Classification Sherloc (09022015). Collection method: clinical testing. Allele origin: germline.
Comment: This variant is not present in population databases (gnomAD no frequency). In summary, the available evidence is currently insufficient to determine the role of this variant in disease. Therefore, it has been classified as a Variant of Uncertain Significance. Algorithms developed to predict the effect of missense changes on protein structure and function output the following: SIFT: "Tolerated"; PolyPhen-2: "Benign"; Align-GVGD: "Class C0". The valine amino acid residue is found in multiple mammalian species, which suggests that this missense change does not adversely affect protein function. This variant has not been reported in the literature in individuals affected with SLX4-related conditions. This sequence change replaces leucine, which is neutral and non-polar, with valine, which is neutral and non-polar, at codon 1262 of the SLX4 protein (p.Leu1262Val).

NM_032444.4(SLX4):c.3784C>G (p.Leu1262Val)

Gene: SLX4 (SLX4 structure-specific endonuclease subunit; minus strand). Cytogenetic location: 16p13.3.
Variant type: single nucleotide variant.
Coding change: c.3784C>G on transcript NM_032444.4 (MANE Select); coding-DNA position 3784, C replaced by G.
Protein change: p.Leu1262Val; replaces leucine 1262 with valine.
Molecular consequence: missense variant.
Genome position (GRCh38, 1-based): chr16:3,589,854, G>C on the plus strand (C>G on the coding strand, the complement: SLX4 is on the minus strand). VCF-style: chr16-3589854-G-C. GRCh37 (hg19) VCF-style: chr16-3639855-G-C.
Other names: short protein forms L1262V.
Identifiers: ClinVar variation 2129519 (VCV002129519.4), dbSNP rs991818380, ClinGen allele CA394519378.